The following is an entry in ClinVar:

ClinVar aggregate classification (germline): Uncertain significance. Review status: criteria provided, multiple submitters, no conflicts (2 of 4 stars). 5 submissions from 5 submitters: Uncertain significance (5). Last evaluated 2024-03-20.

Conditions:
Muscular dystrophy-dystroglycanopathy (congenital with impaired intellectual development), type B, 3. Also called: MUSCULAR DYSTROPHY, CONGENITAL, POMGNT1-RELATED; Muscular dystrophy-dystroglycanopathy (congenital with intellectual disability), type B3. Identifiers: MedGen C3150412, MONDO:0013155, OMIM 613151.
Retinitis pigmentosa 76 (RP76). Identifiers: MedGen C4310704, MONDO:0014929, OMIM 617123.
Muscular dystrophy-dystroglycanopathy (congenital with brain and eye anomalies), type A3. Also called: Muscular dystrophy-dystroglycanopathy (congenital with brain and eye anomalies), type A, 3; Congenital muscular dystrophy-dystroglycanopathy with brain and eye anomalies, type A3; WALKER-WARBURG SYNDROME OR MUSCLE-EYE-BRAIN DISEASE, POMGNT1-RELATED. Identifiers: MedGen C3151519, MONDO:0009667, OMIM 253280.
Autosomal recessive limb-girdle muscular dystrophy type 2O. Also called: Limb-Girdle Muscular Dystrophy Type 3C; MUSCULAR DYSTROPHY-DYSTROGLYCANOPATHY (LIMB-GIRDLE), TYPE C, 3; MUSCULAR DYSTROPHY-DYSTROGLYCANOPATHY, LIMB-GIRDLE, POMGNT1-RELATED. Identifiers: Orphanet 206564, MedGen C3150417, MONDO:0013161, OMIM 613157.

Allele frequency attached by ClinVar (database versions not stated): TOPMed 0.00001.
gnomAD v4.1: 12 of 1,614,142 alleles (0.00074%); highest among the groups gnomAD compares: Non-Finnish European, 0.001%; no homozygotes.

Submissions (5):

Blueprint Genetics
Classification: Uncertain significance. Last evaluated: 2024-03-20. Review status: criteria provided, single submitter. Criteria: ACMG Guidelines, 2015. Collection method: clinical testing. Allele origin: germline.

Labcorp Genetics (formerly Invitae), Labcorp
Classification: Uncertain significance for Autosomal recessive limb-girdle muscular dystrophy type 2O; Muscular dystrophy-dystroglycanopathy (congenital with impaired intellectual development), type B, 3. Last evaluated: 2022-07-11. Review status: criteria provided, single submitter. Criteria: Invitae Variant Classification Sherloc (09022015). Collection method: clinical testing. Allele origin: germline.
Comment: This sequence change replaces arginine, which is basic and polar, with glycine, which is neutral and non-polar, at codon 488 of the POMGNT1 protein (p.Arg488Gly). This variant is present in population databases (rs727504103, gnomAD 0.0009%). This variant has not been reported in the literature in individuals affected with POMGNT1-related conditions. ClinVar contains an entry for this variant (Variation ID: 167527). Advanced modeling of protein sequence and biophysical properties (such as structural, functional, and spatial information, amino acid conservation, physicochemical variation, residue mobility, and thermodynamic stability) performed at Invitae indicates that this missense variant is expected to disrupt POMGNT1 protein function. In summary, the available evidence is currently insufficient to determine the role of this variant in disease. Therefore, it has been classified as a Variant of Uncertain Significance.

GeneDx
Classification: Uncertain significance. Last evaluated: 2022-06-07. Review status: criteria provided, single submitter. Criteria: GeneDx Variant Classification Process June 2021. Collection method: clinical testing. Allele origin: germline. Affected: yes.
Comment: Reported in an individual with total retinal detachment, peripheral retinal avascularity, and neovascularization of the right eye who harbored a second pathogenic POMGNT1 variant, however, segregation information was not provided (Khan et al., 2012); Not observed at significant frequency in large population cohorts (gnomAD); In silico analysis supports that this missense variant has a deleterious effect on protein structure/function; This variant is associated with the following publications: (PMID: 24282183, 25390965)

Fulgent Genetics
Classification: Uncertain significance for Muscular dystrophy-dystroglycanopathy (congenital with brain and eye anomalies), type A3; Muscular dystrophy-dystroglycanopathy (congenital with impaired intellectual development), type B, 3; Autosomal recessive limb-girdle muscular dystrophy type 2O; Retinitis pigmentosa 76. Last evaluated: 2022-03-29. Review status: criteria provided, single submitter. Criteria: ACMG Guidelines, 2015. Collection method: clinical testing. Allele origin: unknown.

Eurofins Ntd Llc (ga)
Classification: Uncertain significance. Last evaluated: 2013-12-17. Review status: criteria provided, single submitter. Criteria: EGL Classification Definitions 2015. Collection method: clinical testing. Allele origin: germline. Observed: 1 variant allele, 1 heterozygote.

NM_017739.4(POMGNT1):c.1462C>G (p.Arg488Gly)

Genes: POMGNT1 (protein O-linked mannose N-acetylglucosaminyltransferase 1 (beta 1,2-); minus strand), TSPAN1 (tetraspanin 1; plus strand). Cytogenetic location: 1p34.1.
Variant type: single nucleotide variant.
Coding change: c.1462C>G on transcript NM_017739.4 (MANE Select); coding-DNA position 1462, C replaced by G.
Protein change: p.Arg488Gly; replaces arginine 488 with glycine.
Molecular consequence: missense variant.
Genome position (GRCh38, 1-based): chr1:46,192,175, G>C on the plus strand (C>G on the coding strand, the complement: POMGNT1 is on the minus strand). VCF-style: chr1-46192175-G-C. GRCh37 (hg19) VCF-style: chr1-46657847-G-C.
Other names: c.1462C>G, p.Arg488Gly (NM_001243766.2, NM_001410783.1); c.1396C>G, p.Arg466Gly (NM_001290129.3); c.1033C>G, p.Arg345Gly (NM_001290130.2); short protein forms R488G, R345G, R466G.
Identifiers: ClinVar variation 167527 (VCV000167527.12), dbSNP rs727504103, ClinGen allele CA234715.